The following is an entry in ClinVar:

ClinVar aggregate classification (germline): Uncertain significance (1 of 4 stars; one submission).

Conditions:
Inborn genetic diseases. Identifiers: MedGen C0950123, MeSH D030342.

Submission:

Ambry Genetics
Classification: Uncertain significance for Inborn genetic diseases. Last evaluated: 2025-01-15. Review status: criteria provided, single submitter. Criteria: Ambry Variant Classification Scheme 2023. Collection method: clinical testing. Allele origin: germline.
Comment: The p.I1359R variant (also known as c.4076T>G), located in coding exon 1 of the SAMD9 gene, results from a T to G substitution at nucleotide position 4076. The isoleucine at codon 1359 is replaced by arginine, an amino acid with similar properties. This amino acid position is conserved. In addition, this alteration is predicted to be tolerated by in silico analysis. Based on the available evidence, the clinical significance of this variant remains unclear.

NM_017654.4(SAMD9):c.4076T>G (p.Ile1359Arg)

Gene: SAMD9 (sterile alpha motif domain containing 9; minus strand). Cytogenetic location: 7q21.2.
Variant type: single nucleotide variant.
Coding change: c.4076T>G on transcript NM_017654.4 (MANE Select); coding-DNA position 4076, T replaced by G.
Protein change: p.Ile1359Arg; replaces isoleucine 1359 with arginine.
Molecular consequence: missense variant.
Genome position (GRCh38, 1-based): chr7:93,102,022, A>C on the plus strand (T>G on the coding strand, the complement: SAMD9 is on the minus strand). VCF-style: chr7-93102022-A-C. GRCh37 (hg19) VCF-style: chr7-92731335-A-C.
Other names: c.4076T>G, p.Ile1359Arg (NM_001193307.2); short protein forms I1359R.
Identifiers: ClinVar variation 3792004 (VCV003792004.1).